The following is an entry in ClinVar:

ClinVar aggregate classification (germline): Uncertain significance (1 of 4 stars; one submission).

Allele frequency attached by ClinVar (database versions not stated): gnomAD exomes below 0.00001.

Submission:

Labcorp Genetics (formerly Invitae), Labcorp
Classification: Uncertain significance. Last evaluated: 2020-07-22. Review status: criteria provided, single submitter. Criteria: Invitae Variant Classification Sherloc (09022015). Collection method: clinical testing. Allele origin: germline.
Comment: This sequence change replaces glutamic acid with glutamine at codon 190 of the NYX protein (p.Glu190Gln). The glutamic acid residue is highly conserved and there is a small physicochemical difference between glutamic acid and glutamine. Algorithms developed to predict the effect of missense changes on protein structure and function are either unavailable or do not agree on the potential impact of this missense change (SIFT: "Deleterious"; PolyPhen-2: "Probably Damaging"; Align-GVGD: "Class C0"). This variant has not been reported in the literature in individuals with NYX-related conditions. The frequency data for this variant in the population databases is considered unreliable, as metrics indicate insufficient coverage at this position in the ExAC database. In summary, the available evidence is currently insufficient to determine the role of this variant in disease. Therefore, it has been classified as a Variant of Uncertain Significance.

NM_001378477.3(NYX):c.553G>C (p.Glu185Gln)

Gene: NYX (nyctalopin; plus strand). Cytogenetic location: Xp11.4.
Variant type: single nucleotide variant.
Coding change: c.553G>C on transcript NM_001378477.3 (MANE Select); coding-DNA position 553, G replaced by C.
Protein change: p.Glu185Gln; replaces glutamic acid 185 with glutamine.
Molecular consequence: missense variant.
Genome position (GRCh38, 1-based): chrX:41,474,021, G>C. VCF-style: chrX-41474021-G-C. GRCh37 (hg19) VCF-style: chrX-41333274-G-C.
Other names: c.553G>C, p.Glu185Gln (NM_022567.3); short protein forms E185Q.
Identifiers: ClinVar variation 1045292 (VCV001045292.8), dbSNP rs2064376097, ClinGen allele CA412990789.
Genomic context (GRCh38, chrX:41,474,021, plus strand): 5'-CTGTTCCGCCGCGTGCCGGGCGCGCTGCGCGGCCTGGCCAACCTGACGCACGCGCACCTG[G>C]AGCGCGGCCGCATCGAGGCGGTGGCCTCCAGCTCGCTGCAGGGCCTGCGCCGCCTGCGCT-3'
Protein context (NP_001365406.2, residues 175-195): GLANLTHAHL[Glu185Gln]RGRIEAVASS